The following is an entry in ClinVar:

NM_000393.5(COL5A2):c.4451G>A (p.Gly1484Asp)

Gene: COL5A2 (collagen type V alpha 2 chain; minus strand). Cytogenetic location: 2q32.2.
Variant type: single nucleotide variant.
Coding change: c.4451G>A on transcript NM_000393.5 (MANE Select); coding-DNA position 4451, G replaced by A.
Protein change: p.Gly1484Asp; replaces glycine 1484 with aspartic acid.
Molecular consequence: missense variant.
Genome position (GRCh38, 1-based): chr2:189,034,119, C>T on the plus strand (G>A on the coding strand, the complement: COL5A2 is on the minus strand). VCF-style: chr2-189034119-C-T. GRCh37 (hg19) VCF-style: chr2-189898845-C-T.
Other names: p.G1484D:GGC>GAC; short protein forms G1484D.
Identifiers: ClinVar variation 213132 (VCV000213132.17), dbSNP rs761481937, ClinGen allele CA324630.

ClinVar aggregate classification (germline): Uncertain significance. Review status: criteria provided, multiple submitters, no conflicts (2 of 4 stars). 4 submissions from 4 submitters: Uncertain significance (4). Last evaluated 2025-03-24.

Conditions:
Ehlers-Danlos syndrome, classic type, 1 (EDSCL1). Also called: Ehlers-Danlos Syndrome, Classic Type, COL5A1-Related; EHLERS-DANLOS SYNDROME, GRAVIS TYPE; EHLERS-DANLOS SYNDROME, SEVERE CLASSIC TYPE; Ehlers-Danlos syndrome, type 1; EDS I. Identifiers: MedGen C0268335, MONDO:0019567, OMIM 130000.
Familial thoracic aortic aneurysm and aortic dissection (TAAD). Also called: Thoracic aortic aneurysms and dissections. Identifiers: Orphanet 91387, MedGen C4707243, MONDO:0019625.

Allele frequency attached by ClinVar (database versions not stated): gnomAD exomes 0.00001; gnomAD 0.00003; ExAC 0.00002.
gnomAD v4.1: 13 of 1,613,896 alleles (0.00081%); highest among the groups gnomAD compares: Admixed American, 0.0033%; no homozygotes.

Submissions (4):

Women's Health and Genetics/Laboratory Corporation of America, LabCorp
Classification: Uncertain significance. Last evaluated: 2025-03-24. Review status: criteria provided, single submitter. Criteria: LabCorp Variant Classification Summary - May 2015. Collection method: clinical testing. Allele origin: germline.
Comment: Variant summary: COL5A2 c.4451G>A (p.Gly1484Asp) results in a non-conservative amino acid change located in the C-terminal Fibrillar collagen domain (IPR000885) of the encoded protein sequence. Three of five in-silico tools predict a benign effect of the variant on protein function. The variant allele was found at a frequency of 8.1e-06 in 1606900 control chromosomes. The observed variant frequency is approximately 1.3-fold of the estimated maximal expected allele frequency for a pathogenic variant in COL5A2 causing Ehlers-Danlos Syndrome phenotype (6.3e-06). On the other hand, the variant c.4451G>A has been also reported in in individuals affected with Ehlers-Danlos Syndrome (Al-Dewik_2019, and LabCorp Genetics (formerly Invitae) internal data). These data do not allow any conclusion about variant significance. To our knowledge, no experimental evidence demonstrating an impact on protein function has been reported. The following publication has been ascertained in the context of this evaluation (PMID: 30919572). ClinVar contains an entry for this variant (Variation ID: 213132). Based on the evidence outlined above, the variant was classified as uncertain significance.

GeneDx
Classification: Uncertain significance. Last evaluated: 2024-12-17. Review status: criteria provided, single submitter. Criteria: GeneDx Variant Classification Process June 2021. Collection method: clinical testing. Allele origin: germline. Affected: yes.
Comment: Not observed at significant frequency in large population cohorts (gnomAD); In silico analysis supports that this missense variant has a deleterious effect on protein structure/function; Not located in the triple helical region, where the majority of pathogenic missense variants occur (PMID: 22696272; HGMD); This variant is associated with the following publications: (PMID: 22696272, 30919572)

Labcorp Genetics (formerly Invitae), Labcorp
Classification: Uncertain significance for Ehlers-Danlos syndrome, classic type, 1. Last evaluated: 2024-06-30. Review status: criteria provided, single submitter. Criteria: Invitae Variant Classification Sherloc (09022015). Collection method: clinical testing. Allele origin: germline.
Comment: This sequence change replaces glycine, which is neutral and non-polar, with aspartic acid, which is acidic and polar, at codon 1484 of the COL5A2 protein (p.Gly1484Asp). This variant is present in population databases (rs761481937, gnomAD 0.003%). This missense change has been observed in individual(s) with clinical features of Ehlers-Danlos syndrome (PMID: 30919572; Invitae). ClinVar contains an entry for this variant (Variation ID: 213132). Advanced modeling of protein sequence and biophysical properties (such as structural, functional, and spatial information, amino acid conservation, physicochemical variation, residue mobility, and thermodynamic stability) performed at Invitae indicates that this missense variant is not expected to disrupt COL5A2 protein function with a negative predictive value of 80%. In summary, the available evidence is currently insufficient to determine the role of this variant in disease. Therefore, it has been classified as a Variant of Uncertain Significance.

Ambry Genetics
Classification: Uncertain significance for Familial thoracic aortic aneurysm and aortic dissection. Last evaluated: 2015-12-16. Review status: criteria provided, single submitter. Criteria: Ambry Variant Classification Scheme 2023. Collection method: clinical testing. Allele origin: germline.
Comment: The p.G1484D variant (also known as c.4451G>A), located in coding exon 54 of the COL5A2 gene, results from a G to A substitution at nucleotide position 4451. The glycine at codon 1484 is replaced by aspartic acid, an amino acid with similar properties. Based on data from ExAC, the A allele was reported in 2 of 121176 (0.002%) total alleles (Exome Aggregation Consortium (ExAC), Cambridge, MA (URL) [Accessed December 15, 2015]). This variant was not reported in population based cohorts in the following databases: Database of Single Nucleotide Polymorphisms (dbSNP), NHLBI Exome Sequencing Project (ESP), and 1000 Genomes Project. In the ESP, this variant was not observed in 6503 samples (13006 alleles) with coverage at this position. This amino acid position is poorly conserved in available vertebrate species; however, A is the reference nucleotide in six species. In addition, this alteration is predicted to be tolerated by in silico analysis. Since supporting evidence is limited at this time, the clinical significance of this variant remains unclear.

Literature cited by the submitters: PubMed 30919572 (cited by Women's Health and Genetics/Laboratory Corporation of America, LabCorp and Labcorp Genetics (formerly Invitae), Labcorp).